The following is an entry in ClinVar:

NM_001377265.1(MAPT):c.2258C>A (p.Thr753Asn)

Gene: MAPT (microtubule associated protein tau). Cytogenetic location: 17q21.31.
Variant type: single nucleotide variant.
Coding change: c.2258C>A on transcript NM_001377265.1 (MANE Select); coding-DNA position 2258, C replaced by A.
Protein change: p.Thr753Asn; replaces threonine 753 with asparagine.
Molecular consequence: missense variant. On other transcripts: non-coding transcript variant (1), intron variant (1).
Genome position (GRCh38, 1-based): chr17:46,018,702, C>A. VCF-style: chr17-46018702-C-A. GRCh37 (hg19) VCF-style: chr17-44096068-C-A.
Other names: c.2087C>A, p.Thr696Asn (NM_001123066.4); c.995C>A, p.Thr332Asn (NM_001123067.4); c.902C>A, p.Thr301Asn (NM_001203251.2); c.989C>A, p.Thr330Asn (NM_001203252.2); c.1967C>A, p.Thr656Asn (NM_001377266.1); c.815C>A, p.Thr272Asn (NM_001377268.1, NM_016841.5); c.1082C>A, p.Thr361Asn (NM_005910.6); c.908C>A, p.Thr303Asn (NM_016834.5); and 2 more; short protein forms T303N, T330N, T656N, T678N, T696N, T301N, T361N, T753N.
Identifiers: ClinVar variation 3703739 (VCV003703739.2).
Genomic context (GRCh38, chr17:46,018,702, plus strand): 5'-CTGAGAAGCTTGACTTCAAGGACAGAGTCCAGTCGAAGATTGGGTCCCTGGACAATATCA[C>A]CCACGTCCCTGGCGGAGGAAATAAAAAGGTAAAGGGGGTAGGGTGGGTTGGATGCTGCCC-3'
Protein context (NP_001364194.1, residues 743-763): QSKIGSLDNI[Thr753Asn]HVPGGGNKKI

ClinVar aggregate classification (germline): Uncertain significance (1 of 4 stars; one submission).

Conditions:
Frontotemporal dementia (FTD1). Also called: FRONTOTEMPORAL DEMENTIA WITH PARKINSONISM; FRONTOTEMPORAL LOBE DEMENTIA; FRONTOTEMPORAL LOBAR DEGENERATION WITH TAU INCLUSIONS; FTLD WITH TAU INCLUSIONS; Frontotemporal Dementia with Parkinsonism-17 (FTDP-17); Frontotemporal lobe dementia (FLDEM). Identifiers: Orphanet 282, MedGen C0338451, MONDO:0017276, OMIM 600274, HP:0002145.

gnomAD v4.1: 2 of 1,614,012 alleles (0.00012%); highest among the groups gnomAD compares: Admixed American, 0.0033%; no homozygotes.

Submission:

Labcorp Genetics (formerly Invitae), Labcorp
Classification: Uncertain significance for Frontotemporal dementia. Last evaluated: 2024-03-07. Review status: criteria provided, single submitter. Criteria: Invitae Variant Classification Sherloc (09022015). Collection method: clinical testing. Allele origin: germline.
Comment: This sequence change replaces threonine, which is neutral and polar, with asparagine, which is neutral and polar, at codon 361 of the MAPT protein (p.Thr361Asn). This variant is present in population databases (no rsID available, gnomAD 0.003%). This variant has not been reported in the literature in individuals affected with MAPT-related conditions. Advanced modeling of protein sequence and biophysical properties (such as structural, functional, and spatial information, amino acid conservation, physicochemical variation, residue mobility, and thermodynamic stability) has been performed at Invitae for this missense variant, however the output from this modeling did not meet the statistical confidence thresholds required to predict the impact of this variant on MAPT protein function. In summary, the available evidence is currently insufficient to determine the role of this variant in disease. Therefore, it has been classified as a Variant of Uncertain Significance.